The following is an entry in ClinVar:

ClinVar aggregate classification (germline): Uncertain significance (1 of 4 stars; one submission).

Conditions:
Very long chain acyl-CoA dehydrogenase deficiency (ACADVLD). Also called: Very Long-Chain Acyl-Coenzyme A Dehydrogenase Deficiency; VLCAD Deficiency. Identifiers: Orphanet 26793, MedGen C3887523, MONDO:0008723, OMIM 201475.

Submission:

ARUP Laboratories, Molecular Genetics and Genomics, ARUP Laboratories
Classification: Uncertain significance for Very long chain acyl-CoA dehydrogenase deficiency. Last evaluated: 2019-07-25. Review status: criteria provided, single submitter. Criteria: ARUP Molecular Germline Variant Investigation Process. Collection method: clinical testing. Allele origin: germline.
Comment: The ACADVL c.1538C>G; p.Ala513Gly variant, to our knowledge, is not reported in the medical literature or gene-specific databases. This variant is also absent from general population databases (Exome Variant Server, Genome Aggregation Database), indicating it is not a common polymorphism. The alanine at codon 513 is moderately conserved, and computational analyses (SIFT, PolyPhen-2) predict that this variant is tolerated. However, due to limited information, the clinical significance of the p.Ala513Gly variant is uncertain at this time.

NM_000018.4(ACADVL):c.1538C>G (p.Ala513Gly)

Gene: ACADVL (acyl-CoA dehydrogenase very long chain; plus strand). Cytogenetic location: 17p13.1.
Variant type: single nucleotide variant.
Coding change: c.1538C>G on transcript NM_000018.4 (MANE Select); coding-DNA position 1538, C replaced by G.
Protein change: p.Ala513Gly; replaces alanine 513 with glycine.
Molecular consequence: missense variant.
Genome position (GRCh38, 1-based): chr17:7,224,326, C>G. VCF-style: chr17-7224326-C-G. GRCh37 (hg19) VCF-style: chr17-7127645-C-G.
Other names: c.1472C>G, p.Ala491Gly (NM_001033859.3); c.1607C>G, p.Ala536Gly (NM_001270447.2); c.1310C>G, p.Ala437Gly (NM_001270448.2); short protein forms A437G, A491G, A513G, A536G.
Identifiers: ClinVar variation 994012 (VCV000994012.8), dbSNP rs766003820, ClinGen allele CA397725336.